The following is an entry in ClinVar:

ClinVar aggregate classification (germline): Likely benign (0 of 4 stars; one submission).

Conditions:
CTSD-related disorder. Also called: CTSD-related condition.

Submission:

PreventionGenetics, part of Exact Sciences
Classification: Likely benign for CTSD-related condition. Last evaluated: 2021-03-10. Review status: no assertion criteria provided. Collection method: clinical testing. Allele origin: germline.
Comment: This variant is classified as likely benign based on ACMG/AMP sequence variant interpretation guidelines (Richards et al. 2015 PMID: 25741868, with internal and published modifications).

NM_001909.5(CTSD):c.897C>A (p.Ser299=)

Gene: CTSD (cathepsin D; minus strand). Cytogenetic location: 11p15.5.
Variant type: single nucleotide variant.
Coding change: c.897C>A on transcript NM_001909.5 (MANE Select); coding-DNA position 897, C replaced by A.
Protein change: p.Ser299=; no amino-acid change (serine 299 retained).
Molecular consequence: synonymous variant.
Genome position (GRCh38, 1-based): chr11:1,754,069, G>T on the plus strand (C>A on the coding strand, the complement: CTSD is on the minus strand). VCF-style: chr11-1754069-G-T. GRCh37 (hg19) VCF-style: chr11-1775299-G-T.
Identifiers: ClinVar variation 3030581 (VCV003030581.2), dbSNP rs911925676, ClinGen allele CA472141017.
Genomic context (GRCh38, chr11:1,754,069, plus strand): 5'-CGGCACGGCCCCGATGGCCTTCTGCAGCTCGCGCACCTCATCCACCGGGCCCACCATGAG[G>T]GAAGTGCCTGTGTCCACAATGGCCTCACAGCCCTCCTTGCACAGGGTCAGCCCGCTGGCC-3'
Protein context (NP_001900.1, residues 289-309): GCEAIVDTGT[Ser299=]LMVGPVDEVR